The following is an entry in ClinVar:

NM_018089.3(ANKZF1):c.345T>G (p.Phe115Leu)

Gene: ANKZF1 (ankyrin repeat and zinc finger peptidyl tRNA hydrolase 1; plus strand). Cytogenetic location: 2q35.
Variant type: single nucleotide variant.
Coding change: c.345T>G on transcript NM_018089.3 (MANE Select); coding-DNA position 345, T replaced by G.
Protein change: p.Phe115Leu; replaces phenylalanine 115 with leucine.
Molecular consequence: missense variant. On other transcripts: intron variant (1).
Genome position (GRCh38, 1-based): chr2:219,232,343, T>G. VCF-style: chr2-219232343-T-G. GRCh37 (hg19) VCF-style: chr2-220097065-T-G.
Other names: c.345T>G, p.Phe115Leu (NM_001042410.2); c.-266-147T>G (NM_001282792.2); short protein forms F115L.
Identifiers: ClinVar variation 2414567 (VCV002414567.6), dbSNP rs747415610, ClinGen allele CA2120717.

ClinVar aggregate classification (germline): Uncertain significance (1 of 4 stars; one submission).

Allele frequency attached by ClinVar (database versions not stated): ExAC 0.00001; gnomAD exomes 0.00001; TOPMed 0.00004.
gnomAD v4.1: 7 of 1,614,118 alleles (0.00043%); highest among the groups gnomAD compares: Admixed American, 0.005%; no homozygotes.

Submission:

Labcorp Genetics (formerly Invitae), Labcorp
Classification: Uncertain significance. Last evaluated: 2023-02-14. Review status: criteria provided, single submitter. Criteria: Invitae Variant Classification Sherloc (09022015). Collection method: clinical testing. Allele origin: germline.
Comment: In summary, the available evidence is currently insufficient to determine the role of this variant in disease. Therefore, it has been classified as a Variant of Uncertain Significance. Algorithms developed to predict the effect of missense changes on protein structure and function are either unavailable or do not agree on the potential impact of this missense change (SIFT: "Deleterious"; PolyPhen-2: "Probably Damaging"; Align-GVGD: "Class C0"). This variant is present in population databases (rs747415610, gnomAD 0.006%). This sequence change replaces phenylalanine, which is neutral and non-polar, with leucine, which is neutral and non-polar, at codon 115 of the ANKZF1 protein (p.Phe115Leu). This variant has not been reported in the literature in individuals affected with ANKZF1-related conditions.